The following is an entry in ClinVar:

ClinVar aggregate classification (germline): Benign. Review status: criteria provided, multiple submitters, no conflicts (2 of 4 stars). 3 submissions from 3 submitters: Benign (2). 1 of the submissions does not count toward it. Last evaluated 2020-05-06.

Conditions:
THOC6-related disorder. Also called: THOC6-related condition.

Allele frequency attached by ClinVar (database versions not stated): gnomAD exomes 0.00383 and 0.01052; ExAC 0.01279; gnomAD 0.03995 and 0.04278; ESP Exome Variant Server 0.04247; 1000 Genomes Project 0.04313; 1000 Genomes Project 30x 0.04388; TOPMed 0.04588.

Submissions (3):

GeneDx
Classification: Benign. Last evaluated: 2020-05-06. Review status: criteria provided, single submitter. Criteria: GeneDx Variant Classification Process June 2021. Collection method: clinical testing. Allele origin: germline. Affected: yes.

Breakthrough Genomics
Classification: Benign. Review status: criteria provided, single submitter. Criteria: ACMG Guidelines, 2015. Collection method: not provided. Allele origin: germline. Inheritance: Autosomal recessive inheritance. Affected: yes.

PreventionGenetics, part of Exact Sciences
Classification: Benign for THOC6-related condition. Last evaluated: 2019-03-22. Review status: no assertion criteria provided. Collection method: clinical testing. Allele origin: germline. Not counted in ClinVar's aggregate classification.
Comment: This variant is classified as benign based on ACMG/AMP sequence variant interpretation guidelines (Richards et al. 2015 PMID: 25741868, with internal and published modifications).

NM_024339.5(THOC6):c.390C>T (p.Asn130=)

Gene: THOC6 (THO complex subunit 6; plus strand). Cytogenetic location: 16p13.3.
Variant type: single nucleotide variant.
Coding change: c.390C>T on transcript NM_024339.5 (MANE Select); coding-DNA position 390, C replaced by T.
Protein change: p.Asn130=; no amino-acid change (asparagine 130 retained).
Molecular consequence: synonymous variant.
Genome position (GRCh38, 1-based): chr16:3,026,392, C>T. VCF-style: chr16-3026392-C-T. GRCh37 (hg19) VCF-style: chr16-3076393-C-T.
Other names: c.390C>T, p.Asn130= (NM_001142350.3, NM_001347704.2); c.318C>T, p.Asn106= (NM_001347703.2); c.390C>T (NM_024339.4).
Identifiers: ClinVar variation 1239904 (VCV001239904.6), dbSNP rs8057262, ClinGen allele CA7854970.
Genomic context (GRCh38, chr16:3,026,392, plus strand): 5'-ACTTCCTCACTGACCTTGCCTTTCCTTCCCCAGGACCAGCCTGGAAGTGCCTGAGATCAA[C>T]GCTTTGCTGCTGGTCCCCAAGGTCTGAGCCCCATGTGACTGTTCTTGGTCCAAACTTTGA-3'
Protein context (NP_077315.2, residues 120-140): YRTSLEVPEI[Asn130=]ALLLVPKENS